The following is an entry in ClinVar:

NM_152564.5(VPS13B):c.11195G>A (p.Arg3732Gln)

Gene: VPS13B (vacuolar protein sorting 13 homolog B; plus strand). Cytogenetic location: 8q22.2.
Variant type: single nucleotide variant.
Coding change: c.11195G>A on transcript NM_152564.5 (MANE Select); coding-DNA position 11195, G replaced by A.
Protein change: p.Arg3732Gln; replaces arginine 3732 with glutamine.
Molecular consequence: missense variant.
Genome position (GRCh38, 1-based): chr8:99,861,926, G>A. VCF-style: chr8-99861926-G-A. GRCh37 (hg19) VCF-style: chr8-100874154-G-A.
Other names: p.Arg3757Gln; c.11270G>A, p.Arg3757Gln (NM_017890.5); short protein forms R3732Q, R3757Q.
Identifiers: ClinVar variation 198013 (VCV000198013.110), dbSNP rs149318176, ClinGen allele CA203180.

ClinVar aggregate classification (germline): Conflicting classifications of pathogenicity. Review status: criteria provided, conflicting classifications (1 of 4 stars). 21 submissions from 21 submitters: Uncertain significance (3); Benign (2); Likely benign (10). 6 of the submissions do not count toward it. Last evaluated 2026-02-13.

Conditions:
VPS13B-related disorder. Also called: VPS13B-related condition.
Inborn genetic diseases. Identifiers: MedGen C0950123, MeSH D030342.
Cohen syndrome (COH1). Also called: Cutis verticis gyrata, retinitis pigmentosa, and sensorineural deafness; PEPPER SYNDROME. Identifiers: Orphanet 193, MedGen C0265223, MONDO:0008999, OMIM 216550.

Allele frequency attached by ClinVar (database versions not stated): 1000 Genomes Project 0.00100; 1000 Genomes Project 30x 0.00109; gnomAD exomes 0.00156 and 0.00186; ESP Exome Variant Server 0.00177; gnomAD 0.00178 and 0.00188; TOPMed 0.00180; ExAC 0.00325.
gnomAD v4.1: 2,543 of 1,595,114 alleles (0.16%); highest among the groups gnomAD compares: Middle Eastern, 0.68%; 14 homozygotes.

Submissions (21):

Women's Health and Genetics/Laboratory Corporation of America, LabCorp
Classification: Likely benign. Last evaluated: 2026-02-13. Review status: criteria provided, single submitter. Criteria: LabCorp Variant Classification Summary - May 2015. Collection method: clinical testing. Allele origin: germline.
Comment: Variant summary: VPS13B c.11270G>A (p.Arg3757Gln) results in a conservative amino acid change in the encoded protein sequence. Algorithms developed to predict the effect of missense changes on protein structure and function are either unavailable or do not agree on the potential impact of this missense change. The variant allele was found at a frequency of 0.0019 in 213012 control chromosomes, predominantly at a frequency of 0.004 within the South Asian subpopulation in the gnomAD database, including 2 homozygotes. The observed variant frequency within South Asian control individuals in the gnomAD database exceeds the estimated maximal expected allele frequency for disease-causing variants in VPS13B. To our knowledge, no occurrence of c.11270G>A in individuals affected with VPS13B-related conditions and no experimental evidence demonstrating its impact on protein function have been reported. ClinVar contains an entry for this variant (Variation ID: 198013). Based on the evidence outlined above, the variant was classified as likely benign.

Labcorp Genetics (formerly Invitae), Labcorp
Classification: Benign for Cohen syndrome. Last evaluated: 2026-02-03. Review status: criteria provided, single submitter. Criteria: Invitae Variant Classification Sherloc (09022015). Collection method: clinical testing. Allele origin: germline.

CeGaT Center for Human Genetics Tuebingen
Classification: Likely benign. Last evaluated: 2025-08-01. Review status: criteria provided, single submitter. Criteria: CeGaT Center For Human Genetics Tuebingen Variant Classification Criteria Version 2. Collection method: clinical testing. Allele origin: germline. Affected: yes. Observed: 11 variant alleles.
Comment: VPS13B: BS2

Blueprint Genetics
Classification: Likely benign. Last evaluated: 2024-11-25. Review status: criteria provided, single submitter. Criteria: ACMG Guidelines, 2015. Collection method: clinical testing. Allele origin: germline.

Mayo Clinic Laboratories, Mayo Clinic
Classification: Benign. Last evaluated: 2023-02-24. Review status: criteria provided, single submitter. Criteria: ACMG Guidelines, 2015. Collection method: clinical testing. Allele origin: germline. Observed: 5 variant alleles.
Comment: BS1, BS2

Ambry Genetics
Classification: Likely benign for Inborn genetic diseases. Last evaluated: 2023-01-10. Review status: criteria provided, single submitter. Criteria: Ambry Variant Classification Scheme 2023. Collection method: clinical testing. Allele origin: germline.

New York Genome Center
Classification: Uncertain significance for Cohen syndrome. Last evaluated: 2021-10-19. Review status: criteria provided, single submitter. Criteria: NYGC Assertion Criteria 2020. Collection method: clinical testing. Allele origin: germline. Observed: 1 heterozygote.

Genome-Nilou Lab
Classification: Likely benign for Cohen syndrome. Last evaluated: 2021-05-18. Review status: criteria provided, single submitter. Criteria: ACMG Guidelines, 2015. Collection method: clinical testing. Allele origin: germline. Affected: no.

Center for Genomics, Ann and Robert H. Lurie Children's Hospital of Chicago
Classification: Uncertain significance for Cohen syndrome. Last evaluated: 2021-03-30. Review status: criteria provided, single submitter. Criteria: ACMG Guidelines, 2015. Collection method: clinical testing. Allele origin: germline.
Comment: VPS13B NM_017890.4 exon 58 p.Arg3757Gln (c.11270G>A): This variant has not been reported in the literature but is present in 0.4% (108/26824) of South Asian alleles, including 2 homozygotes in the Genome Aggregation Database. This variant is present in ClinVar (Variation ID:198013). Evolutionary conservation suggests that this variant may impact the protein; computational predictive tools for this variant are unclear. In summary, data on this variant is insufficient for disease classification. Therefore, the clinical significance of this variant is uncertain.

GeneDx
Classification: Likely benign. Last evaluated: 2019-12-16. Review status: criteria provided, single submitter. Criteria: GeneDx Variant Classification Process June 2021. Collection method: clinical testing. Allele origin: germline. Affected: yes.

Mendelics
Classification: Likely benign for Cohen syndrome. Last evaluated: 2019-05-28. Review status: criteria provided, single submitter. Criteria: Mendelics Assertion Criteria 2017. Collection method: clinical testing. Allele origin: unknown.

Athena Diagnostics
Classification: Likely benign. Last evaluated: 2019-04-23. Review status: criteria provided, single submitter. Criteria: Athena Diagnostics Criteria. Collection method: clinical testing. Allele origin: germline.

Genetic Services Laboratory, University of Chicago
Classification: Uncertain significance. Last evaluated: 2019-01-22. Review status: criteria provided, single submitter. Criteria: ACMG Guidelines, 2015. Collection method: clinical testing. Allele origin: germline. Affected: no.

Illumina Laboratory Services, Illumina
Classification: Likely benign for Cohen syndrome. Last evaluated: 2018-01-13. Review status: criteria provided, single submitter. Criteria: ICSL Variant Classification Criteria 13 December 2019. Collection method: clinical testing. Allele origin: germline.
Comment: This variant was observed in the ICSL laboratory as part of a predisposition screen in an ostensibly healthy population. It had not been previously curated by ICSL or reported in the Human Gene Mutation Database (HGMD: prior to June 1st, 2018), and was therefore a candidate for classification through an automated scoring system. Utilizing variant allele frequency, disease prevalence and penetrance estimates, and inheritance mode, an automated score was calculated to assess if this variant is too frequent to cause the disease. Based on the score and internal cut-off values, a variant classified as likely benign is not then subjected to further curation. The score for this variant resulted in a classification of likely benign for this disease.

Eurofins Ntd Llc (ga)
Classification: Likely benign. Last evaluated: 2015-02-11. Review status: criteria provided, single submitter. Criteria: EGL Classification Definitions 2015. Collection method: clinical testing. Allele origin: germline. Observed: 2 variant alleles, 2 heterozygotes.

Natera, Inc.
Classification: Benign for Cohen syndrome. Last evaluated: 2019-12-25. Review status: no assertion criteria provided. Collection method: clinical testing. Allele origin: germline. Not counted in ClinVar's aggregate classification.

PreventionGenetics, part of Exact Sciences
Classification: Likely benign for VPS13B-related condition. Last evaluated: 2019-11-25. Review status: no assertion criteria provided. Collection method: clinical testing. Allele origin: germline. Not counted in ClinVar's aggregate classification.
Comment: This variant is classified as likely benign based on ACMG/AMP sequence variant interpretation guidelines (Richards et al. 2015 PMID: 25741868, with internal and published modifications).

Clinical Genetics, Academic Medical Center
Classification: Likely benign. Review status: no assertion criteria provided. Collection method: clinical testing. Allele origin: germline. Affected: yes. Study: VKGL Data-share Consensus. Not counted in ClinVar's aggregate classification.

Diagnostic Laboratory, Department of Genetics, University Medical Center Groningen
Classification: Likely benign. Review status: no assertion criteria provided. Collection method: clinical testing. Allele origin: germline. Affected: yes. Study: VKGL Data-share Consensus. Not counted in ClinVar's aggregate classification.

Genome Diagnostics Laboratory, University Medical Center Utrecht
Classification: Likely benign. Review status: no assertion criteria provided. Collection method: clinical testing. Allele origin: germline. Affected: yes. Study: VKGL Data-share Consensus. Not counted in ClinVar's aggregate classification.

Laboratory of Diagnostic Genome Analysis, Leiden University Medical Center (LUMC)
Classification: Likely benign. Review status: no assertion criteria provided. Collection method: clinical testing. Allele origin: germline. Affected: yes. Study: VKGL Data-share Consensus. Not counted in ClinVar's aggregate classification.